The following is an entry in ClinVar:

NM_006000.3(TUBA4A):c.1169G>A (p.Arg390His)

Gene: TUBA4A (tubulin alpha 4a; minus strand). Cytogenetic location: 2q35.
Variant type: single nucleotide variant.
Coding change: c.1169G>A on transcript NM_006000.3 (MANE Select); coding-DNA position 1169, G replaced by A.
Protein change: p.Arg390His; replaces arginine 390 with histidine.
Molecular consequence: missense variant.
Genome position (GRCh38, 1-based): chr2:219,250,530, C>T on the plus strand (G>A on the coding strand, the complement: TUBA4A is on the minus strand). VCF-style: chr2-219250530-C-T. GRCh37 (hg19) VCF-style: chr2-220115252-C-T.
Other names: NM_001278552.2:c.1124G>A; c.1124G>A, p.Arg375His (NM_001278552.2); short protein forms R375H, R390H.
Identifiers: ClinVar variation 3061812 (VCV003061812.1), dbSNP rs2125069024, ClinGen allele CA350722452.

ClinVar aggregate classification (germline): Uncertain significance (1 of 4 stars; one submission).

Conditions:
Amyotrophic lateral sclerosis type 22 (FTDALS9). Also called: FRONTOTEMPORAL DEMENTIA AND/OR AMYOTROPHIC LATERAL SCLEROSIS 9; Amyotrophic lateral sclerosis 22 with or without frontotemporal dementia. Identifiers: Orphanet 803, MedGen C4015512, MONDO:0014531, OMIM 616208.

gnomAD v4.1: 5 of 1,614,200 alleles (0.00031%); highest among the groups gnomAD compares: Non-Finnish European, 0.00042%; no homozygotes.

Submission:

Broad Center for Mendelian Genomics, Broad Institute of MIT and Harvard
Classification: Uncertain significance for Amyotrophic lateral sclerosis type 22. Last evaluated: 2024-03-12. Review status: criteria provided, single submitter. Criteria: ACMG Guidelines, 2015. Collection method: curation. Allele origin: germline. Inheritance: Autosomal dominant inheritance.
Comment: The p.Arg390His variant in TUBA4A has not been previously reported in individuals with amyotrophic lateral sclerosis 22 with or without frontotemporal dementia. This variant was absent from large population studies. The number of missense variants reported in TUBA4A in the general population is lower than expected, suggesting there is little benign variation in this gene and slightly increasing the possibility that a missense variant in this gene may not be tolerated. Computational prediction tools and conservation analyses suggest that this variant may impact the protein, though this information is not predictive enough to determine pathogenicity. In summary, the clinical significance of the p.Arg390His variant is uncertain. ACMG/AMP Criteria applied: PM2_Supporting, PP2, PP3 (Richards 2015).

Literature cited by the submitters: PubMed 39033378.